The following is an entry in ClinVar:

ClinVar aggregate classification (germline): Likely benign (0 of 4 stars; one submission).

Conditions:
MYO9A-related disorder. Also called: MYO9A-related condition.

Allele frequency attached by ClinVar (database versions not stated): ExAC 0.00002; gnomAD exomes 0.00002; TOPMed 0.00002.
gnomAD v4.1: 11 of 1,614,192 alleles (0.00068%); highest among the groups gnomAD compares: Admixed American, 0.018%; no homozygotes.

Submission:

PreventionGenetics, part of Exact Sciences
Classification: Likely benign for MYO9A-related condition. Last evaluated: 2019-09-23. Review status: no assertion criteria provided. Collection method: clinical testing. Allele origin: germline.
Comment: This variant is classified as likely benign based on ACMG/AMP sequence variant interpretation guidelines (Richards et al. 2015 PMID: 25741868, with internal and published modifications).

NM_006901.4(MYO9A):c.5592A>G (p.Leu1864=)

Gene: MYO9A (myosin IXA; minus strand). Cytogenetic location: 15q23.
Variant type: single nucleotide variant.
Coding change: c.5592A>G on transcript NM_006901.4 (MANE Select); coding-DNA position 5592, A replaced by G.
Protein change: p.Leu1864=; no amino-acid change (leucine 1864 retained).
Molecular consequence: synonymous variant.
Genome position (GRCh38, 1-based): chr15:71,880,365, T>C on the plus strand (A>G on the coding strand, the complement: MYO9A is on the minus strand). VCF-style: chr15-71880365-T-C. GRCh37 (hg19) VCF-style: chr15-72172706-T-C.
Identifiers: ClinVar variation 3039905 (VCV003039905.2), dbSNP rs751439879, ClinGen allele CA7641120.